The following is an entry in ClinVar:

ClinVar aggregate classification (germline): Pathogenic (1 of 4 stars; one submission).

Submission:

GeneDx
Classification: Pathogenic. Last evaluated: 2016-09-29. Review status: criteria provided, single submitter. Criteria: GeneDx Variant Classification (06012015). Collection method: clinical testing. Allele origin: germline. Affected: yes.
Comment: The Y5540X pathogenic variant in the NEB gene has not been reported previously as a pathogenic variant nor as abenign variant, to our knowledge. This variant is predicted to cause loss of normal protein function either throughprotein truncation or nonsense-mediated mRNA decay. The Y5540X variant was not observed in approximately 2300individuals of European and African American ancestry in the NHLBI Exome Sequencing Project, indicating it is nota common benign variant in these populations. We interpret Y5540X as a pathogenic variant.

NM_001164508.2(NEB):c.16620T>A (p.Tyr5540Ter)

Gene: NEB (nebulin; minus strand). Cytogenetic location: 2q23.3.
Variant type: single nucleotide variant.
Coding change: c.16620T>A on transcript NM_001164508.2 (MANE Select); coding-DNA position 16620, T replaced by A.
Protein change: p.Tyr5540Ter; replaces tyrosine 5540 with a stop codon.
Molecular consequence: nonsense. On other transcripts: intron variant (1).
Genome position (GRCh38, 1-based): chr2:151,579,422, A>T on the plus strand (T>A on the coding strand, the complement: NEB is on the minus strand). VCF-style: chr2-151579422-A-T. GRCh37 (hg19) VCF-style: chr2-152435936-A-T.
Other names: c.16620T>A, p.Tyr5540Ter (NM_001164507.2, NM_001271208.2); c.11602-3068T>A (NM_004543.5); short protein forms Y5540*.
Identifiers: ClinVar variation 280871 (VCV000280871.2), dbSNP rs886041998, ClinGen allele CA10602820.